The following is an entry in ClinVar:

ClinVar aggregate classification (germline): Benign/Likely benign. Review status: criteria provided, multiple submitters, no conflicts (2 of 4 stars). 2 submissions from 2 submitters: Benign (1); Likely benign (1). Last evaluated 2024-03-01.

Conditions:
Spastic paraplegia. Identifiers: MedGen C0037772, HP:0001258.

Allele frequency attached by ClinVar (database versions not stated): gnomAD 0.00001; TOPMed 0.00002.
gnomAD v4.1: 7 of 1,209,928 alleles (0.00058%); highest among the groups gnomAD compares: Admixed American, 0.0065%; no homozygotes.

Submissions (2):

CeGaT Center for Human Genetics Tuebingen
Classification: Likely benign. Last evaluated: 2024-03-01. Review status: criteria provided, single submitter. Criteria: CeGaT Center For Human Genetics Tuebingen Variant Classification Criteria Version 2. Collection method: clinical testing. Allele origin: germline. Affected: yes. Observed: 1 variant allele.
Comment: L1CAM: BP4, BP7, BS2

Labcorp Genetics (formerly Invitae), Labcorp
Classification: Benign for Spastic paraplegia. Last evaluated: 2024-02-02. Review status: criteria provided, single submitter. Criteria: Invitae Variant Classification Sherloc (09022015). Collection method: clinical testing. Allele origin: germline.

NM_001278116.2(L1CAM):c.1305G>A (p.Thr435=)

Gene: L1CAM (L1 cell adhesion molecule; minus strand). Cytogenetic location: Xq28.
Variant type: single nucleotide variant.
Coding change: c.1305G>A on transcript NM_001278116.2 (MANE Select); coding-DNA position 1305, G replaced by A.
Protein change: p.Thr435=; no amino-acid change (threonine 435 retained).
Molecular consequence: synonymous variant.
Genome position (GRCh38, 1-based): chrX:153,868,915, C>T on the plus strand (G>A on the coding strand, the complement: L1CAM is on the minus strand). VCF-style: chrX-153868915-C-T. GRCh37 (hg19) VCF-style: chrX-153134370-C-T.
Other names: c.1305G>A, p.Thr435= (NM_000425.5, NM_024003.3); c.1290G>A, p.Thr430= (NM_001143963.2).
Identifiers: ClinVar variation 2808468 (VCV002808468.24), dbSNP rs782346089, ClinGen allele CA337262864.
Genomic context (GRCh38, chrX:153,868,915, plus strand): 5'-CACAGGCGCTCCGAAGGCCTTGCACAGAAGGTAGGCAGTGCTGCCCTGGACAGCCATGTA[C>T]GTCTGATTGTCCGCAGTCAGGATCTTGGCTGGCAGCTCTAGGGGAGGAACAGCCTCAGGA-3'
Protein context (NP_001265045.1, residues 425-445): PAKILTADNQ[Thr435=]YMAVQGSTAY